The following is an entry in ClinVar:

ClinVar aggregate classification (germline): Uncertain significance (1 of 4 stars; one submission).

gnomAD v4.1: 1 of 1,604,648 alleles (0.000062%); no homozygotes.

Submission:

Labcorp Genetics (formerly Invitae), Labcorp
Classification: Uncertain significance. Last evaluated: 2023-05-13. Review status: criteria provided, single submitter. Criteria: Invitae Variant Classification Sherloc (09022015). Collection method: clinical testing. Allele origin: germline.
Comment: This variant is not present in population databases (gnomAD no frequency). This variant has not been reported in the literature in individuals affected with ATP1A1-related conditions. Advanced modeling of protein sequence and biophysical properties (such as structural, functional, and spatial information, amino acid conservation, physicochemical variation, residue mobility, and thermodynamic stability) performed at Invitae indicates that this missense variant is not expected to disrupt ATP1A1 protein function. In summary, the available evidence is currently insufficient to determine the role of this variant in disease. Therefore, it has been classified as a Variant of Uncertain Significance. This sequence change replaces lysine, which is basic and polar, with arginine, which is basic and polar, at codon 661 of the ATP1A1 protein (p.Lys661Arg).

NM_000701.8(ATP1A1):c.1982A>G (p.Lys661Arg)

Genes: ATP1A1 (ATPase Na+/K+ transporting subunit alpha 1; plus strand), ATP1A1-AS1 (ATP1A1 antisense RNA 1; minus strand). Cytogenetic location: 1p13.1.
Variant type: single nucleotide variant.
Coding change: c.1982A>G on transcript NM_000701.8 (MANE Select); coding-DNA position 1982, A replaced by G.
Protein change: p.Lys661Arg; replaces lysine 661 with arginine.
Molecular consequence: missense variant.
Genome position (GRCh38, 1-based): chr1:116,397,896, A>G. VCF-style: chr1-116397896-A-G. GRCh37 (hg19) VCF-style: chr1-116940518-A-G.
Other names: c.1982A>G, p.Lys661Arg (NM_001160233.2); c.1889A>G, p.Lys630Arg (NM_001160234.2); short protein forms K661R, K630R.
Identifiers: ClinVar variation 2834645 (VCV002834645.3), dbSNP rs1490776856, ClinGen allele CA341772346.